The following is an entry in ClinVar:

ClinVar aggregate classification (germline): Conflicting classifications of pathogenicity. Review status: criteria provided, conflicting classifications (1 of 4 stars). 3 submissions from 3 submitters: Uncertain significance (2); Likely benign (1). Last evaluated 2024-03-29.

Conditions:
Hereditary cancer-predisposing syndrome. Also called: Hereditary neoplastic syndrome; Tumor predisposition; Neoplastic Syndromes, Hereditary; Hereditary Cancer Syndrome. Identifiers: Orphanet 140162, MedGen C0027672, MeSH D009386, MONDO:0015356.
Hereditary diffuse gastric adenocarcinoma (HDGC). Also called: DIFFUSE GASTRIC AND LOBULAR BREAST CANCER SYNDROME. Identifiers: Orphanet 26106, MedGen C1708349, MONDO:0007648, OMIM 137215.

Submissions (3):

Ambry Genetics
Classification: Likely benign for Hereditary cancer-predisposing syndrome. Last evaluated: 2024-03-29. Review status: criteria provided, single submitter. Criteria: Ambry Variant Classification Scheme 2023. Collection method: clinical testing. Allele origin: germline.

Revvity Omics, Revvity
Classification: Uncertain significance. Last evaluated: 2023-08-22. Review status: criteria provided, single submitter. Criteria: ACMG Guidelines, 2015. Collection method: clinical testing. Allele origin: germline.

Labcorp Genetics (formerly Invitae), Labcorp
Classification: Uncertain significance for Hereditary diffuse gastric adenocarcinoma. Last evaluated: 2022-01-27. Review status: criteria provided, single submitter. Criteria: Invitae Variant Classification Sherloc (09022015). Collection method: clinical testing. Allele origin: germline.
Comment: In summary, the available evidence is currently insufficient to determine the role of this variant in disease. Therefore, it has been classified as a Variant of Uncertain Significance. Algorithms developed to predict the effect of missense changes on protein structure and function (SIFT, PolyPhen-2, Align-GVGD) all suggest that this variant is likely to be disruptive. ClinVar contains an entry for this variant (Variation ID: 960998). This variant has not been reported in the literature in individuals affected with CDH1-related conditions. This variant is not present in population databases (gnomAD no frequency). This sequence change replaces asparagine, which is neutral and polar, with lysine, which is basic and polar, at codon 558 of the CDH1 protein (p.Asn558Lys).

NM_004360.5(CDH1):c.1674C>G (p.Asn558Lys)

Gene: CDH1 (cadherin 1; plus strand). Cytogenetic location: 16q22.1.
Variant type: single nucleotide variant.
Coding change: c.1674C>G on transcript NM_004360.5 (MANE Select); coding-DNA position 1674, C replaced by G.
Protein change: p.Asn558Lys; replaces asparagine 558 with lysine.
Molecular consequence: missense variant. On other transcripts: intron variant (1).
Genome position (GRCh38, 1-based): chr16:68,819,388, C>G. VCF-style: chr16-68819388-C-G. GRCh37 (hg19) VCF-style: chr16-68853291-C-G.
Other names: c.1491C>G, p.Asn497Lys (NM_001317184.2); c.126C>G, p.Asn42Lys (NM_001317185.2); c.-254-2613C>G (NM_001317186.2); short protein forms N497K, N42K, N558K.
Identifiers: ClinVar variation 960998 (VCV000960998.15), dbSNP rs1961078305, ClinGen allele CA396465326.
Genomic context (GRCh38, chr16:68,819,388, plus strand): 5'-CACTGGTGCCATTTCCACTCGGGCTGAGCTGGACAGGGAGGATTTTGAGCACGTGAAGAA[C>G]AGCACGTACACAGCCCTAATCATAGCTACAGACAATGGTAAGGGGGCCTCATCTGAGCCT-3'
Protein context (NP_004351.1, residues 548-568): LDREDFEHVK[Asn558Lys]STYTALIIAT